The following is an entry in ClinVar:

ClinVar aggregate classification (germline): Likely benign. Review status: criteria provided, multiple submitters, no conflicts (2 of 4 stars). 3 submissions from 3 submitters: Likely benign (3). Last evaluated 2024-02-22.

Allele frequency attached by ClinVar (database versions not stated): ExAC 0.00001; gnomAD exomes 0.00001 and 0.00015; TOPMed 0.00002; gnomAD 0.00005.
gnomAD v4.1: 167 of 1,209,401 alleles (0.014%); highest among the groups gnomAD compares: Non-Finnish European, 0.018%; no homozygotes.

Submissions (3):

Blueprint Genetics
Classification: Likely benign. Last evaluated: 2024-02-22. Review status: criteria provided, single submitter. Criteria: ACMG Guidelines, 2015. Collection method: clinical testing. Allele origin: germline.

CeGaT Center for Human Genetics Tuebingen
Classification: Likely benign. Last evaluated: 2022-11-01. Review status: criteria provided, single submitter. Criteria: CeGaT Center For Human Genetics Tuebingen Variant Classification Criteria Version 2. Collection method: clinical testing. Allele origin: germline. Affected: yes. Observed: 1 variant allele.
Comment: KLHL15: BP4, BP7

Labcorp Genetics (formerly Invitae), Labcorp
Classification: Likely benign. Last evaluated: 2018-06-20. Review status: criteria provided, single submitter. Criteria: Invitae Variant Classification Sherloc (09022015). Collection method: clinical testing. Allele origin: germline.

NM_030624.3(KLHL15):c.1251T>C (p.Tyr417=)

Gene: KLHL15 (kelch like family member 15; minus strand). Cytogenetic location: Xp22.11.
Variant type: single nucleotide variant.
Coding change: c.1251T>C on transcript NM_030624.3 (MANE Select); coding-DNA position 1251, T replaced by C.
Protein change: p.Tyr417=; no amino-acid change (tyrosine 417 retained).
Molecular consequence: synonymous variant.
Genome position (GRCh38, 1-based): chrX:23,988,485, A>G on the plus strand (T>C on the coding strand, the complement: KLHL15 is on the minus strand). VCF-style: chrX-23988485-A-G. GRCh37 (hg19) VCF-style: chrX-24006602-A-G.
Identifiers: ClinVar variation 752914 (VCV000752914.28), dbSNP rs746760594, ClinGen allele CA10370502.